The following is an entry in ClinVar:

ClinVar aggregate classification (germline): Uncertain significance. Review status: criteria provided, multiple submitters, no conflicts (2 of 4 stars). 2 submissions from 2 submitters: Uncertain significance (2). Last evaluated 2024-12-10.

Conditions:
Neurofibromatosis, type 1 (NF1). Also called: Peripheral type neurofibromatosis; VON RECKLINGHAUSEN DISEASE; NEUROFIBROMATOSIS, TYPE I, SOMATIC; Neurofibromatosis, type I. Identifiers: Orphanet 636, MedGen C0027831, MONDO:0018975, OMIM 162200. Disease mechanism: loss of function.

Submissions (2):

Quest Diagnostics Nichols Institute San Juan Capistrano
Classification: Uncertain significance. Last evaluated: 2024-12-10. Review status: criteria provided, single submitter. Criteria: Quest Diagnostics criteria. Collection method: clinical testing. Allele origin: unknown.

Labcorp Genetics (formerly Invitae), Labcorp
Classification: Uncertain significance for Neurofibromatosis, type 1. Last evaluated: 2022-07-17. Review status: criteria provided, single submitter. Criteria: Invitae Variant Classification Sherloc (09022015). Collection method: clinical testing. Allele origin: germline.
Comment: This sequence change replaces isoleucine, which is neutral and non-polar, with leucine, which is neutral and non-polar, at codon 334 of the NF1 protein (p.Ile334Leu). This variant is not present in population databases (gnomAD no frequency). This variant has not been reported in the literature in individuals affected with NF1-related conditions. Advanced modeling of protein sequence and biophysical properties (such as structural, functional, and spatial information, amino acid conservation, physicochemical variation, residue mobility, and thermodynamic stability) performed at Invitae indicates that this missense variant is not expected to disrupt NF1 protein function. In summary, the available evidence is currently insufficient to determine the role of this variant in disease. Therefore, it has been classified as a Variant of Uncertain Significance.

NM_001042492.3(NF1):c.1000A>C (p.Ile334Leu)

Gene: NF1 (neurofibromin 1; plus strand). Cytogenetic location: 17q11.2.
Variant type: single nucleotide variant.
Coding change: c.1000A>C on transcript NM_001042492.3 (MANE Select); coding-DNA position 1000, A replaced by C.
Protein change: p.Ile334Leu; replaces isoleucine 334 with leucine.
Molecular consequence: missense variant.
Genome position (GRCh38, 1-based): chr17:31,200,533, A>C. VCF-style: chr17-31200533-A-C. GRCh37 (hg19) VCF-style: chr17-29527551-A-C.
Other names: c.1000A>C, p.Ile334Leu (NM_000267.4, NM_001128147.3); short protein forms I334L.
Identifiers: ClinVar variation 1716428 (VCV001716428.6), dbSNP rs2544794034, ClinGen allele CA398996219.
Genomic context (GRCh38, chr17:31,200,533, plus strand): 5'-AGGCAGCTGACAGAAAGTGCTGCAATTGCCTGTGTCAAACTGTGTAAAGCAAGTACTTAC[A>C]TCAATTGGGAAGATAACTCTGTCATTTTCCTACTTGTTCAGTCCATGGTGGTTGATCTTA-3'
Protein context (NP_001035957.1, residues 324-344): CVKLCKASTY[Ile334Leu]NWEDNSVIFL